The following is an entry in ClinVar:

ClinVar aggregate classification (germline): Conflicting classifications of pathogenicity. Review status: criteria provided, conflicting classifications (1 of 4 stars). 2 submissions from 2 submitters: Uncertain significance (1); Likely benign (1). Last evaluated 2026-08-10.

Conditions:
Hereditary cancer-predisposing syndrome. Also called: Hereditary Cancer Syndrome; Hereditary neoplastic syndrome; Neoplastic Syndromes, Hereditary; Tumor predisposition. Identifiers: Orphanet 140162, MedGen C0027672, MeSH D009386, MONDO:0015356.
Tumor predisposition syndrome 3 (TPDS3). Also called: Melanoma, cutaneous malignant, susceptibility to, 10; Glioma susceptibility 9; LONG TELOMERE SYNDROME, POT1-RELATED; POT1 Tumor Predisposition. Identifiers: Orphanet 618, MedGen C4014476, MONDO:0014368, OMIM 615848.

Allele frequency attached by ClinVar (database versions not stated): gnomAD 0.00001; TOPMed below 0.00001.
gnomAD v4.1: 4 of 1,612,454 alleles (0.00025%); highest among the groups gnomAD compares: Non-Finnish European, 0.00034%; no homozygotes.

Submissions (2):

Ambry Genetics
Classification: Likely benign for Hereditary cancer-predisposing syndrome. Last evaluated: 2026-08-10. Review status: criteria provided, single submitter. Criteria: Ambry Variant Classification Scheme 2023. Collection method: clinical testing. Allele origin: germline.

Labcorp Genetics (formerly Invitae), Labcorp
Classification: Uncertain significance for Tumor predisposition syndrome 3. Last evaluated: 2023-01-14. Review status: criteria provided, single submitter. Criteria: Invitae Variant Classification Sherloc (09022015). Collection method: clinical testing. Allele origin: germline.
Comment: This sequence change replaces lysine, which is basic and polar, with asparagine, which is neutral and polar, at codon 433 of the POT1 protein (p.Lys433Asn). This variant is not present in population databases (gnomAD no frequency). This variant has not been reported in the literature in individuals affected with POT1-related conditions. Advanced modeling of protein sequence and biophysical properties (such as structural, functional, and spatial information, amino acid conservation, physicochemical variation, residue mobility, and thermodynamic stability) performed at Invitae indicates that this missense variant is not expected to disrupt POT1 protein function. In summary, the available evidence is currently insufficient to determine the role of this variant in disease. Therefore, it has been classified as a Variant of Uncertain Significance.

NM_015450.3(POT1):c.1299A>T (p.Lys433Asn)

Gene: POT1 (protection of telomeres 1; minus strand). Cytogenetic location: 7q31.33.
Variant type: single nucleotide variant.
Coding change: c.1299A>T on transcript NM_015450.3 (MANE Select); coding-DNA position 1299, A replaced by T.
Protein change: p.Lys433Asn; replaces lysine 433 with asparagine.
Molecular consequence: missense variant. On other transcripts: non-coding transcript variant (3).
Genome position (GRCh38, 1-based): chr7:124,841,043, T>A on the plus strand (A>T on the coding strand, the complement: POT1 is on the minus strand). VCF-style: chr7-124841043-T-A. GRCh37 (hg19) VCF-style: chr7-124481097-T-A.
Other names: c.1299A>T (NM_015450.2); c.906A>T, p.Lys302Asn (NM_001042594.2); short protein forms K302N, K433N.
Identifiers: ClinVar variation 2993127 (VCV002993127.5), dbSNP rs1219744946, ClinGen allele CA369067010.